The following is an entry in ClinVar:

NM_005633.4(SOS1):c.1659G>A (p.Met553Ile)

Gene: SOS1 (SOS Ras/Rac guanine nucleotide exchange factor 1; minus strand). Cytogenetic location: 2p22.1.
Variant type: single nucleotide variant.
Coding change: c.1659G>A on transcript NM_005633.4 (MANE Select); coding-DNA position 1659, G replaced by A.
Protein change: p.Met553Ile; replaces methionine 553 with isoleucine.
Molecular consequence: missense variant.
Genome position (GRCh38, 1-based): chr2:39,022,769, C>T on the plus strand (G>A on the coding strand, the complement: SOS1 is on the minus strand). VCF-style: chr2-39022769-C-T. GRCh37 (hg19) VCF-style: chr2-39249910-C-T.
Other names: c.1638G>A, p.Met546Ile (NM_001382394.1); c.1659G>A, p.Met553Ile (NM_001382395.1); short protein forms M553I, M546I.
Identifiers: ClinVar variation 336020 (VCV000336020.6), dbSNP rs886056025, ClinGen allele CA10613342.
Genomic context (GRCh38, chr2:39,022,769, plus strand): 5'-ATCAGCACTAGGCAGCCTCATCTGCTCCTCTTTCTCTTCCTGTAGCATTGTTACATCAAG[C>T]ATCCTTTCCAGTGTACTCCGGTACTGTAAAGATATCAATGCTGCCATCCAATTGTTTTTC-3'
Protein context (NP_005624.2, residues 543-563): SLQYRSTLER[Met553Ile]LDVTMLQEEK

ClinVar aggregate classification (germline): Uncertain significance. Review status: criteria provided, multiple submitters, no conflicts (2 of 4 stars). 3 submissions from 2 submitters: Uncertain significance (3). Last evaluated 2025-09-05.

Conditions:
Fibromatosis, gingival, 1 (GINGF1). Identifiers: Orphanet 2024, MedGen C4551558, MONDO:0007609, OMIM 135300.
Noonan syndrome 4 (NS4). Also called: SOS1-Related Noonan Syndrome; NOONAN SYNDROME WITH PIGMENTED VILLONODULAR SYNOVITIS. Identifiers: Orphanet 648, MedGen C1853120, MONDO:0012547, OMIM 610733.
RASopathy. Also called: Noonan spectrum disorder; rasopathies. Identifiers: Orphanet 536391, MedGen C5555857, MONDO:0021060.

Submissions (3):

Labcorp Genetics (formerly Invitae), Labcorp
Classification: Uncertain significance for RASopathy. Last evaluated: 2025-09-05. Review status: criteria provided, single submitter. Criteria: Invitae Variant Classification Sherloc (09022015). Collection method: clinical testing. Allele origin: germline.
Comment: This sequence change replaces methionine, which is neutral and non-polar, with isoleucine, which is neutral and non-polar, at codon 553 of the SOS1 protein (p.Met553Ile). This variant is not present in population databases (gnomAD no frequency). This variant has not been reported in the literature in individuals affected with SOS1-related conditions. ClinVar contains an entry for this variant (Variation ID: 336020). Invitae Evidence Modeling of protein sequence and biophysical properties (such as structural, functional, and spatial information, amino acid conservation, physicochemical variation, residue mobility, and thermodynamic stability) has been performed for this missense variant. However, the output from this modeling did not meet the statistical confidence thresholds required to predict the impact of this variant on SOS1 protein function. In summary, the available evidence is currently insufficient to determine the role of this variant in disease. Therefore, it has been classified as a Variant of Uncertain Significance.

Illumina Laboratory Services, Illumina
Classification: Uncertain significance for Fibromatosis, gingival, 1. Last evaluated: 2018-01-13. Review status: criteria provided, single submitter. Criteria: ICSL Variant Classification Criteria 13 December 2019. Collection method: clinical testing. Allele origin: germline.

Illumina Laboratory Services, Illumina
Classification: Uncertain significance for Noonan syndrome 4. Last evaluated: 2018-01-13. Review status: criteria provided, single submitter. Criteria: ICSL Variant Classification Criteria 13 December 2019. Collection method: clinical testing. Allele origin: germline.